The following is an entry in ClinVar:

NM_001039958.2(MESP2):c.758C>T (p.Pro253Leu)

Gene: MESP2 (mesoderm posterior bHLH transcription factor 2; plus strand). Cytogenetic location: 15q26.1.
Variant type: single nucleotide variant.
Coding change: c.758C>T on transcript NM_001039958.2 (MANE Select); coding-DNA position 758, C replaced by T.
Protein change: p.Pro253Leu; replaces proline 253 with leucine.
Molecular consequence: missense variant.
Genome position (GRCh38, 1-based): chr15:89,777,115, C>T. VCF-style: chr15-89777115-C-T. GRCh37 (hg19) VCF-style: chr15-90320346-C-T.
Other names: c.758C>T (NM_001039958.1); short protein forms P253L.
Identifiers: ClinVar variation 2078572 (VCV002078572.2), dbSNP rs201925785, ClinGen allele CA7730500.

ClinVar aggregate classification (germline): Uncertain significance. Review status: criteria provided, multiple submitters, no conflicts (2 of 4 stars). 2 submissions from 2 submitters: Uncertain significance (2). Last evaluated 2023-12-28.

Conditions:
Inborn genetic diseases. Identifiers: MedGen C0950123, MeSH D030342.

Allele frequency attached by ClinVar (database versions not stated): gnomAD 0.00015; ESP Exome Variant Server 0.00017; 1000 Genomes Project 0.00020; 1000 Genomes Project 30x 0.00031.
gnomAD v4.1: 52 of 1,612,890 alleles (0.0032%); highest among the groups gnomAD compares: African/African-American, 0.06%; no homozygotes.

Submissions (2):

Ambry Genetics
Classification: Uncertain significance for Inborn genetic diseases. Last evaluated: 2023-12-28. Review status: criteria provided, single submitter. Criteria: Ambry Variant Classification Scheme 2023. Collection method: clinical testing. Allele origin: germline.

Labcorp Genetics (formerly Invitae), Labcorp
Classification: Uncertain significance. Last evaluated: 2022-02-11. Review status: criteria provided, single submitter. Criteria: Invitae Variant Classification Sherloc (09022015). Collection method: clinical testing. Allele origin: germline.
Comment: This sequence change replaces proline, which is neutral and non-polar, with leucine, which is neutral and non-polar, at codon 253 of the MESP2 protein (p.Pro253Leu). This variant is present in population databases (rs201925785, gnomAD 0.07%). This variant has not been reported in the literature in individuals affected with MESP2-related conditions. Algorithms developed to predict the effect of missense changes on protein structure and function output the following: SIFT: "Tolerated"; PolyPhen-2: "Benign"; Align-GVGD: "Class C0". The leucine amino acid residue is found in multiple mammalian species, which suggests that this missense change does not adversely affect protein function. In summary, the available evidence is currently insufficient to determine the role of this variant in disease. Therefore, it has been classified as a Variant of Uncertain Significance.